The following is an entry in ClinVar:

ClinVar aggregate classification (germline): Likely pathogenic (1 of 4 stars; one submission).

Conditions:
Dilated cardiomyopathy 1G (CMD1G). Identifiers: Orphanet 154, MedGen C1858763, MONDO:0011400, OMIM 604145.
Autosomal recessive limb-girdle muscular dystrophy type 2J (LGMDR10). Also called: Limb-girdle muscular dystrophy, type 2J; MUSCULAR DYSTROPHY, LIMB-GIRDLE, AUTOSOMAL RECESSIVE 10. Identifiers: Orphanet 140922, MedGen C1837342, MONDO:0012127, OMIM 608807.

Submission:

Labcorp Genetics (formerly Invitae), Labcorp
Classification: Likely pathogenic for Dilated cardiomyopathy 1G; Autosomal recessive limb-girdle muscular dystrophy type 2J. Last evaluated: 2024-04-18. Review status: criteria provided, single submitter. Criteria: Invitae Variant Classification Sherloc (09022015). Collection method: clinical testing. Allele origin: germline.
Comment: This sequence change creates a premature translational stop signal (p.Gly20792*) in the TTN gene. While this is not anticipated to result in nonsense mediated decay, it is expected to create a truncated TTN protein. This variant is not present in population databases (gnomAD no frequency). This variant has not been reported in the literature in individuals affected with TTN-related conditions. ClinVar contains an entry for this variant (Variation ID: 2117830). This variant is located in the A band of TTN (PMID: 25589632). Truncating variants in this region are significantly overrepresented in patients affected with dilated cardiomyopathy (PMID: 25589632). Truncating variants in this region have also been reported in individuals affected with autosomal recessive centronuclear myopathy (PMID: 23975875). In summary, the currently available evidence indicates that the variant is pathogenic, but additional data are needed to prove that conclusively. Therefore, this variant has been classified as Likely Pathogenic.

Literature cited by the submitters: PubMed 25589632; PubMed 23975875.

NM_001267550.2(TTN):c.62374_62378del (p.Ala20791_Gly20792insTer)

Genes: TTN (titin; minus strand), TTN-AS1 (TTN antisense RNA 1; plus strand). Cytogenetic location: 2q31.2.
Variant type: Deletion.
Coding change: c.62374_62378del on transcript NM_001267550.2 (MANE Select); coding-DNA positions 62374 to 62378, 5 bases deleted (GGGGT; older notation c.62374_62378delGGGGT).
Protein change: p.Ala20791_Gly20792insTer.
Molecular consequence: nonsense.
Genome position (GRCh38, 1-based): chr2:178,589,347-178,589,351, ACCCC deleted on the plus strand (GGGGT on the coding strand, the reverse complement: TTN is on the minus strand). VCF-style (leftmost placement, unchanged base first): chr2-178589346-AACCCC-A. GRCh37 (hg19) VCF-style: chr2-179454073-AACCCC-A.
Other names: c.57451_57455del, p.Ala19150_Gly19151insTer (NM_001256850.1); c.35179_35183del, p.Ala11726_Gly11727insTer (NM_003319.4); c.54670_54674del, p.Ala18223_Gly18224insTer (NM_133378.4); c.35554_35558del, p.Ala11851_Gly11852insTer (NM_133432.3); c.35755_35759del, p.Ala11918_Gly11919insTer (NM_133437.4).
Identifiers: ClinVar variation 2117830 (VCV002117830.4), dbSNP rs2469388589, ClinGen allele CA2580064640.